The following is an entry in ClinVar:

NM_031935.3(HMCN1):c.16541+5G>C

Genes: HMCN1 (hemicentin 1; plus strand), LOC126805953 (P300/CBP strongly-dependent group 1 enhancer GRCh37_chr1:186156636-186157835; plus strand). Cytogenetic location: 1q31.1.
Variant type: single nucleotide variant.
Coding change: c.16541+5G>C on transcript NM_031935.3 (MANE Select); 5 bases into the intron after coding-DNA position 16541, G replaced by C.
Molecular consequence: intron variant.
Genome position (GRCh38, 1-based): chr1:186,188,014, G>C. VCF-style: chr1-186188014-G-C. GRCh37 (hg19) VCF-style: chr1-186157146-G-C.
Identifiers: ClinVar variation 3663659 (VCV003663659.2).

ClinVar aggregate classification (germline): Uncertain significance (1 of 4 stars; one submission).

Submission:

Labcorp Genetics (formerly Invitae), Labcorp
Classification: Uncertain significance. Last evaluated: 2024-12-27. Review status: criteria provided, single submitter. Criteria: Invitae Variant Classification Sherloc (09022015). Collection method: clinical testing. Allele origin: germline.
Comment: This sequence change falls in intron 106 of the HMCN1 gene. It does not directly change the encoded amino acid sequence of the HMCN1 protein. It affects a nucleotide within the consensus splice site. This variant is not present in population databases (gnomAD no frequency). This variant has not been reported in the literature in individuals affected with HMCN1-related conditions. Variants that disrupt the consensus splice site are a relatively common cause of aberrant splicing (PMID: 17576681, 9536098). Algorithms developed to predict the effect of sequence changes on RNA splicing suggest that this variant may disrupt the consensus splice site. In summary, the available evidence is currently insufficient to determine the role of this variant in disease. Therefore, it has been classified as a Variant of Uncertain Significance.

Literature cited by the submitters: PubMed 17576681; PubMed 9536098.